The following is an entry in ClinVar:

ClinVar aggregate classification (germline): Uncertain significance. Review status: criteria provided, multiple submitters, no conflicts (2 of 4 stars). 2 submissions from 2 submitters: Uncertain significance (2). Last evaluated 2025-08-20.

Conditions:
Atrial fibrillation, familial, 11 (ATFB11). Identifiers: MedGen C3279693, MONDO:0013544, OMIM 614049.
Atrial standstill 1 (ATRST1). Also called: Atrial standstill, digenic (GJA5/SCN5A); ATRIAL CARDIOMYOPATHY WITH HEART BLOCK; CARDIOMYOPATHY, FAMILIAL, WITH CONDUCTION DISTURBANCE. Identifiers: Orphanet 1344, MedGen C4551959, MONDO:0007171, OMIM 108770.

Allele frequency attached by ClinVar (database versions not stated): TOPMed 0.00002.

Submissions (2):

Labcorp Genetics (formerly Invitae), Labcorp
Classification: Uncertain significance for Atrial fibrillation, familial, 11; Atrial standstill 1. Last evaluated: 2025-08-20. Review status: criteria provided, single submitter. Criteria: Invitae Variant Classification Sherloc (09022015). Collection method: clinical testing. Allele origin: germline.
Comment: This sequence change replaces methionine, which is neutral and non-polar, with lysine, which is basic and polar, at codon 287 of the GJA5 protein (p.Met287Lys). This variant is not present in population databases (gnomAD no frequency). This variant has not been reported in the literature in individuals affected with GJA5-related conditions. ClinVar contains an entry for this variant (Variation ID: 1923838). Invitae Evidence Modeling of protein sequence and biophysical properties (such as structural, functional, and spatial information, amino acid conservation, physicochemical variation, residue mobility, and thermodynamic stability) indicates that this missense variant is not expected to disrupt GJA5 protein function with a negative predictive value of 80%. In summary, the available evidence is currently insufficient to determine the role of this variant in disease. Therefore, it has been classified as a Variant of Uncertain Significance.

GeneDx
Classification: Uncertain significance. Last evaluated: 2022-10-19. Review status: criteria provided, single submitter. Criteria: GeneDx Variant Classification Process June 2021. Collection method: clinical testing. Allele origin: germline. Affected: yes.
Comment: Not observed at significant frequency in large population cohorts (gnomAD); In silico analysis supports that this missense variant does not alter protein structure/function; Has not been previously published as pathogenic or benign to our knowledge

NM_181703.4(GJA5):c.860T>A (p.Met287Lys)

Gene: GJA5 (gap junction protein alpha 5; minus strand). Cytogenetic location: 1q21.2.
Variant type: single nucleotide variant.
Coding change: c.860T>A on transcript NM_181703.4 (MANE Select); coding-DNA position 860, T replaced by A.
Protein change: p.Met287Lys; replaces methionine 287 with lysine.
Molecular consequence: missense variant.
Genome position (GRCh38, 1-based): chr1:147,758,379, A>T on the plus strand (T>A on the coding strand, the complement: GJA5 is on the minus strand). VCF-style: chr1-147758379-A-T. GRCh37 (hg19) VCF-style: chr1-147230487-A-T.
Other names: c.860T>A, p.Met287Lys (NM_005266.7); short protein forms M287K.
Identifiers: ClinVar variation 1923838 (VCV001923838.6), dbSNP rs1663828689, ClinGen allele CA342394281.